The following is an entry in ClinVar:

ClinVar aggregate classification (germline): Uncertain significance. Review status: criteria provided, multiple submitters, no conflicts (2 of 4 stars). 4 submissions from 4 submitters: Uncertain significance (4). Last evaluated 2025-04-10.

Conditions:
Hereditary cancer-predisposing syndrome. Also called: Tumor predisposition; Hereditary Cancer Syndrome; Hereditary neoplastic syndrome; Neoplastic Syndromes, Hereditary. Identifiers: Orphanet 140162, MedGen C0027672, MeSH D009386, MONDO:0015356.
Familial adenomatous polyposis 1 (FAP1). Also called: FAMILIAL ADENOMATOUS POLYPOSIS 1, ATTENUATED; POLYPOSIS, ADENOMATOUS INTESTINAL. Identifiers: MedGen C2713442, MONDO:0021056, OMIM 175100. Disease mechanism: loss of function.

Allele frequency attached by ClinVar (database versions not stated): gnomAD below 0.00001 and 0.00001.
gnomAD v4.1: 1 of 1,613,872 alleles (0.000062%); highest among the groups gnomAD compares: South Asian, 0.0011%; no homozygotes.

Submissions (4):

Ambry Genetics
Classification: Uncertain significance for Hereditary cancer-predisposing syndrome. Last evaluated: 2025-04-10. Review status: criteria provided, single submitter. Criteria: Ambry Variant Classification Scheme 2023. Collection method: clinical testing. Allele origin: germline.
Comment: The p.S2697A variant (also known as c.8089T>G), located in coding exon 15 of the APC gene, results from a T to G substitution at nucleotide position 8089. The serine at codon 2697 is replaced by alanine, an amino acid with similar properties. This amino acid position is not well conserved in available vertebrate species. In addition, in silico predictors for this gene do not accurately predict pathogenicity. Since supporting evidence is limited at this time, the clinical significance of this alteration remains unclear.

Labcorp Genetics (formerly Invitae), Labcorp
Classification: Uncertain significance for Familial adenomatous polyposis 1. Last evaluated: 2024-01-09. Review status: criteria provided, single submitter. Criteria: Invitae Variant Classification Sherloc (09022015). Collection method: clinical testing. Allele origin: germline.
Comment: This sequence change replaces serine, which is neutral and polar, with alanine, which is neutral and non-polar, at codon 2697 of the APC protein (p.Ser2697Ala). This variant is not present in population databases (gnomAD no frequency). This variant has not been reported in the literature in individuals affected with APC-related conditions. ClinVar contains an entry for this variant (Variation ID: 486742). Advanced modeling of protein sequence and biophysical properties (such as structural, functional, and spatial information, amino acid conservation, physicochemical variation, residue mobility, and thermodynamic stability) performed at Invitae indicates that this missense variant is not expected to disrupt APC protein function with a negative predictive value of 95%. In summary, the available evidence is currently insufficient to determine the role of this variant in disease. Therefore, it has been classified as a Variant of Uncertain Significance.

GeneDx
Classification: Uncertain significance. Last evaluated: 2022-07-28. Review status: criteria provided, single submitter. Criteria: GeneDx Variant Classification Process June 2021. Collection method: clinical testing. Allele origin: germline. Affected: yes.
Comment: Not observed at significant frequency in large population cohorts (gnomAD); In silico analysis supports that this missense variant does not alter protein structure/function; Has not been previously published as pathogenic or benign to our knowledge; This variant is associated with the following publications: (PMID: 18199528)

Sema4
Classification: Uncertain significance for Hereditary cancer-predisposing syndrome. Last evaluated: 2022-02-04. Review status: criteria provided, single submitter. Criteria: Sema4 Curation Guidelines. Collection method: curation. Allele origin: germline.
Comment: The APC c.8089T>G (p.S2697A) variant has not been reported in the literature to our knowledge. This variant is not reported in the population database Genome Aggregation Database (PMID: 32461654), but has been reported in ClinVar (Variation ID: 486742). In silico tools suggest the impact of the variant on protein function is benign, though these predictions have not been confirmed by functional studies. The evidence is insufficient to meet ACMG/AMP criteria for classifying the variant as benign or pathogenic. Thus, the clinical significance of this variant is currently uncertain.

NM_000038.6(APC):c.8089T>G (p.Ser2697Ala)

Gene: APC (APC regulator of Wnt signaling pathway; plus strand). Cytogenetic location: 5q22.2.
Variant type: single nucleotide variant.
Coding change: c.8089T>G on transcript NM_000038.6 (MANE Select); coding-DNA position 8089, T replaced by G.
Protein change: p.Ser2697Ala; replaces serine 2697 with alanine.
Molecular consequence: missense variant.
Genome position (GRCh38, 1-based): chr5:112,843,683, T>G. VCF-style: chr5-112843683-T-G. GRCh37 (hg19) VCF-style: chr5-112179380-T-G.
Other names: c.8089T>G, p.Ser2697Ala (NM_001127510.3, NM_001354895.2); c.8035T>G, p.Ser2679Ala (NM_001127511.3); c.8143T>G, p.Ser2715Ala (NM_001354896.2); c.8119T>G, p.Ser2707Ala (NM_001354897.2); c.8014T>G, p.Ser2672Ala (NM_001354898.2); c.8005T>G, p.Ser2669Ala (NM_001354899.2); c.7966T>G, p.Ser2656Ala (NM_001354900.2); c.7912T>G, p.Ser2638Ala (NM_001354901.2); and 5 more; short protein forms S2697A, S2679A, S2672A, S2537A, S2638A, S2656A, S2571A, S2596A.
Identifiers: ClinVar variation 486742 (VCV000486742.18), dbSNP rs1388750461, ClinGen allele CA16038898.